The following is an entry in ClinVar:

ClinVar aggregate classification (germline): Uncertain significance (1 of 4 stars; one submission).

gnomAD v4.1: 9 of 1,613,960 alleles (0.00056%); highest among the groups gnomAD compares: African/African-American, 0.0013%; no homozygotes.

Submission:

Labcorp Genetics (formerly Invitae), Labcorp
Classification: Uncertain significance. Last evaluated: 2021-12-01. Review status: criteria provided, single submitter. Criteria: Invitae Variant Classification Sherloc (09022015). Collection method: clinical testing. Allele origin: germline.
Comment: This sequence change replaces valine, which is neutral and non-polar, with leucine, which is neutral and non-polar, at codon 667 of the ADAMTS17 protein (p.Val667Leu). This variant is present in population databases (rs748878355, gnomAD 0.003%). This variant has not been reported in the literature in individuals affected with ADAMTS17-related conditions. Algorithms developed to predict the effect of missense changes on protein structure and function are either unavailable or do not agree on the potential impact of this missense change (SIFT: "Not Available"; PolyPhen-2: "Possibly Damaging"; Align-GVGD: "Not Available"). In summary, the available evidence is currently insufficient to determine the role of this variant in disease. Therefore, it has been classified as a Variant of Uncertain Significance.

NM_139057.4(ADAMTS17):c.1999G>C (p.Val667Leu)

Gene: ADAMTS17 (ADAM metallopeptidase with thrombospondin type 1 motif 17; minus strand). Cytogenetic location: 15q26.3.
Variant type: single nucleotide variant.
Coding change: c.1999G>C on transcript NM_139057.4 (MANE Select); coding-DNA position 1999, G replaced by C.
Protein change: p.Val667Leu; replaces valine 667 with leucine.
Molecular consequence: missense variant.
Genome position (GRCh38, 1-based): chr15:100,109,006, C>G on the plus strand (G>C on the coding strand, the complement: ADAMTS17 is on the minus strand). VCF-style: chr15-100109006-C-G. GRCh37 (hg19) VCF-style: chr15-100649211-C-G.
Other names: short protein forms V667L.
Identifiers: ClinVar variation 1493855 (VCV001493855.3), dbSNP rs748878355, ClinGen allele CA7757953.
Genomic context (GRCh38, chr15:100,109,006, plus strand): 5'-CCTCTCCAAAGCCCCACCAAGGACCGAAGGAGAAGTACGTCACCTGGCACTTGCCGTGCA[C>G]GCAGAGATCAGTCTCGTAGGGCCCGCAGGGTGTACCGTCCAGGACCCTGTCGGCCACCAG-3'
Protein context (NP_620688.2, residues 657-677): PCGPYETDLC[Val667Leu]HGKCQKIGCD